The following is an entry in ClinVar:

NM_001173990.3(TMEM216):c.75del (p.Phe25_Leu26insTer)

Gene: TMEM216 (transmembrane protein 216; plus strand). Cytogenetic location: 11q12.2.
Variant type: Deletion.
Coding change: c.75del on transcript NM_001173990.3 (MANE Select); coding-DNA position 75, one base deleted (T; older notation c.75delT).
Protein change: p.Phe25_Leu26insTer.
Molecular consequence: frameshift variant. On other transcripts: 5 prime UTR variant (2).
Genome position (GRCh38, 1-based): chr11:61,393,271, T deleted; the last of 3 consecutive T bases (chr11:61,393,269-61,393,271); deleting any one gives the same sequence. VCF-style (leftmost placement, unchanged base first): chr11-61393268-CT-C. GRCh37 (hg19) VCF-style: chr11-61160740-CT-C.
Other names: c.75del, p.Phe25_Leu26insTer (NM_001173991.3); c.-109del (NM_001330285.2, NM_016499.6).
Identifiers: ClinVar variation 1459081 (VCV001459081.6), dbSNP rs2135190077, ClinGen allele CA2573147292.

ClinVar aggregate classification (germline): Pathogenic (1 of 4 stars; one submission).

Conditions:
Joubert syndrome. Also called: CEREBELLOPARENCHYMAL DISORDER IV; JOUBERT-BOLTSHAUSER SYNDROME; Familial aplasia of the vermis. Identifiers: Orphanet 475, MedGen C5979921, MONDO:0018772.

Submission:

Labcorp Genetics (formerly Invitae), Labcorp
Classification: Pathogenic for Joubert syndrome. Last evaluated: 2021-11-26. Review status: criteria provided, single submitter. Criteria: Invitae Variant Classification Sherloc (09022015). Collection method: clinical testing. Allele origin: germline.
Comment: This sequence change creates a premature translational stop signal (p.Leu26*) in the TMEM216 gene. It is expected to result in an absent or disrupted protein product. Loss-of-function variants in TMEM216 are known to be pathogenic (PMID: 20512146). For these reasons, this variant has been classified as Pathogenic. This variant has not been reported in the literature in individuals affected with TMEM216-related conditions. This variant is not present in population databases (gnomAD no frequency).

Literature cited by the submitters: PubMed 20512146.